The following is an entry in ClinVar:

NM_004655.4(AXIN2):c.1241G>T (p.Arg414Leu)

Gene: AXIN2 (axin 2; minus strand). Cytogenetic location: 17q24.1.
Variant type: single nucleotide variant.
Coding change: c.1241G>T on transcript NM_004655.4 (MANE Select); coding-DNA position 1241, G replaced by T.
Protein change: p.Arg414Leu; replaces arginine 414 with leucine.
Molecular consequence: missense variant.
Genome position (GRCh38, 1-based): chr17:65,537,795, C>A on the plus strand (G>T on the coding strand, the complement: AXIN2 is on the minus strand). VCF-style: chr17-65537795-C-A. GRCh37 (hg19) VCF-style: chr17-63533913-C-A.
Other names: c.1241G>T, p.Arg414Leu (NM_001363813.1); short protein forms R414L.
Identifiers: ClinVar variation 2027316 (VCV002027316.6), dbSNP rs758255310, ClinGen allele CA8718704.

ClinVar aggregate classification (germline): Uncertain significance. Review status: criteria provided, multiple submitters, no conflicts (2 of 4 stars). 2 submissions from 2 submitters: Uncertain significance (2). Last evaluated 2022-11-21.

Conditions:
Oligodontia-cancer predisposition syndrome. Also called: TOOTH AGENESIS-COLORECTAL CANCER SYNDROME. Identifiers: Orphanet 300576, MedGen C1837750, MONDO:0012075, OMIM 608615. Disease mechanism: loss of function.
Hereditary cancer-predisposing syndrome. Also called: Hereditary Cancer Syndrome; Tumor predisposition; Neoplastic Syndromes, Hereditary; Hereditary neoplastic syndrome. Identifiers: Orphanet 140162, MedGen C0027672, MeSH D009386, MONDO:0015356.

Submissions (2):

Ambry Genetics
Classification: Uncertain significance for Hereditary cancer-predisposing syndrome. Last evaluated: 2022-11-21. Review status: criteria provided, single submitter. Criteria: Ambry Variant Classification Scheme 2023. Collection method: clinical testing. Allele origin: germline.
Comment: The p.R414L variant (also known as c.1241G>T), located in coding exon 5 of the AXIN2 gene, results from a G to T substitution at nucleotide position 1241. The arginine at codon 414 is replaced by leucine, an amino acid with dissimilar properties. This amino acid position is conserved. In addition, this alteration is predicted to be tolerated by in silico analysis. Since supporting evidence is limited at this time, the clinical significance of this alteration remains unclear.

Labcorp Genetics (formerly Invitae), Labcorp
Classification: Uncertain significance for Oligodontia-cancer predisposition syndrome. Last evaluated: 2021-12-02. Review status: criteria provided, single submitter. Criteria: Invitae Variant Classification Sherloc (09022015). Collection method: clinical testing. Allele origin: germline.
Comment: This sequence change replaces arginine, which is basic and polar, with leucine, which is neutral and non-polar, at codon 414 of the AXIN2 protein (p.Arg414Leu). This variant is not present in population databases (gnomAD no frequency). In summary, the available evidence is currently insufficient to determine the role of this variant in disease. Therefore, it has been classified as a Variant of Uncertain Significance. Algorithms developed to predict the effect of missense changes on protein structure and function are either unavailable or do not agree on the potential impact of this missense change (SIFT: "Tolerated"; PolyPhen-2: "Possibly Damaging"; Align-GVGD: "Class C0"). This variant has not been reported in the literature in individuals affected with AXIN2-related conditions.